The following is an entry in ClinVar:

ClinVar aggregate classification (germline): Pathogenic/Likely pathogenic. Review status: criteria provided, multiple submitters, no conflicts (2 of 4 stars). 8 submissions from 8 submitters: Pathogenic (3); Likely pathogenic (1). 4 of the submissions do not count toward it. Last evaluated 2024-07-27.

Conditions:
Hereditary cancer-predisposing syndrome. Also called: Hereditary Cancer Syndrome; Hereditary neoplastic syndrome; Neoplastic Syndromes, Hereditary; Tumor predisposition. Identifiers: Orphanet 140162, MedGen C0027672, MeSH D009386, MONDO:0015356.
Familial adenomatous polyposis 1 (FAP1). Also called: FAMILIAL ADENOMATOUS POLYPOSIS 1, ATTENUATED; POLYPOSIS, ADENOMATOUS INTESTINAL. Identifiers: MedGen C2713442, MONDO:0021056, OMIM 175100. Disease mechanism: loss of function.

Submissions (8):

Labcorp Genetics (formerly Invitae), Labcorp
Classification: Pathogenic for Familial adenomatous polyposis 1. Last evaluated: 2024-07-27. Review status: criteria provided, single submitter. Criteria: Invitae Variant Classification Sherloc (09022015). Collection method: clinical testing. Allele origin: germline.
Comment: This sequence change creates a premature translational stop signal (p.Trp2504*) in the APC gene. While this is not anticipated to result in nonsense mediated decay, it is expected to disrupt the last 340 amino acid(s) of the APC protein. This variant is not present in population databases (gnomAD no frequency). This premature translational stop signal has been observed in individual(s) with clinical features of APC-related conditions (Invitae). ClinVar contains an entry for this variant (Variation ID: 218007). This variant is expected to disrupt the EB1 and HDLG binding sites, which mediate interactions with the cytoskeleton (PMID: 15311282, 17293347). While functional studies have not been performed to directly test the effect on APC protein function, this suggests that disruption of the C-terminal portion of the protein is functionally important. A different truncation (p.Tyr2645Lysfs*14) that lies downstream of this variant has been determined to be pathogenic (PMID: 9824584, 1316610, 27081525, 8381579, 22135120, Invitae). This suggests that deletion of this region of the APC protein is causative of disease. For these reasons, this variant has been classified as Pathogenic.

Ambry Genetics
Classification: Likely pathogenic for Hereditary cancer-predisposing syndrome. Last evaluated: 2024-06-20. Review status: criteria provided, single submitter. Criteria: Ambry Variant Classification Scheme 2023. Collection method: clinical testing. Allele origin: germline.
Comment: The p.W2504* variant (also known as c.7511G>A), located in coding exon 15 of the APC gene, results from a G to A substitution at nucleotide position 7511. This changes the amino acid from a tryptophan to a stop codon within coding exon 15. This alteration occurs at the 3' terminus of theAPC gene, is not expected to trigger nonsense-mediated mRNA decay, and only impacts the last 340 amino acids of the protein. However, premature stop codons are typically deleterious in nature and the impacted region is critical for protein function (Ambry internal data). This variant was reported in an individual with features consistent with APC-associated polyposis conditions (Eccles D et al. J Med Genet, 2001 Dec;38:861-3).This variant is considered to be rare based on population cohorts in the Genome Aggregation Database (gnomAD). Based on the majority of available evidence to date, this variant is likely to be pathogenic.

Myriad Genetics, Inc.
Classification: Pathogenic for Familial adenomatous polyposis 1. Last evaluated: 2023-05-16. Review status: criteria provided, single submitter. Criteria: Myriad Autosomal Dominant, Autosomal Recessive and X-Linked Classification Criteria (2023). Collection method: clinical testing. Allele origin: unknown.
Comment: This variant is considered pathogenic. This variant creates a termination codon and is predicted to result in premature protein truncation.

Baylor Genetics
Classification: Pathogenic for Familial adenomatous polyposis 1. Last evaluated: 2022-06-09. Review status: criteria provided, single submitter. Criteria: ACMG Guidelines, 2015. Collection method: clinical testing. Allele origin: unknown.

deCODE genetics, Amgen
Classification: Likely pathogenic for Familial adenomatous polyposis 1. Last evaluated: 2023-07-21. Review status: no assertion criteria provided. Collection method: research. Allele origin: germline. Affected: yes. Observed: 1 variant allele. Not counted in ClinVar's aggregate classification.
Comment: The variant NM_000038.6:c.7511G>A (chr5:112843105) in APC was detected in 1 heterozygote out of 58K WGS Icelanders (MAF= 0,001%). This variant has been reported in ClinVar previously as pathogenic. Based on ACMG criteria (PVS1, PM2) this variant classifies as likely pathogenic.

Joint Genome Diagnostic Labs from Nijmegen and Maastricht, Radboudumc and MUMC+
Classification: Pathogenic. Review status: no assertion criteria provided. Collection method: clinical testing. Allele origin: germline. Affected: yes. Study: VKGL Data-share Consensus. Not counted in ClinVar's aggregate classification.

Laboratory of Diagnostic Genome Analysis, Leiden University Medical Center (LUMC)
Classification: Pathogenic. Review status: no assertion criteria provided. Collection method: clinical testing. Allele origin: germline. Affected: yes. Study: VKGL Data-share Consensus. Not counted in ClinVar's aggregate classification.

Mayo Clinic Laboratories, Mayo Clinic
Classification: Likely pathogenic. Review status: no assertion criteria provided. Collection method: research. Allele origin: unknown. Observed: 1 variant allele. Not counted in ClinVar's aggregate classification.

Literature cited by the submitters: PubMed 15311282 (cited by Labcorp Genetics (formerly Invitae), Labcorp); PubMed 17293347 (cited by Labcorp Genetics (formerly Invitae), Labcorp); PubMed 9824584 (cited by Labcorp Genetics (formerly Invitae), Labcorp); PubMed 1316610 (cited by Labcorp Genetics (formerly Invitae), Labcorp); PubMed 27081525 (cited by Labcorp Genetics (formerly Invitae), Labcorp); PubMed 8381579 (cited by Labcorp Genetics (formerly Invitae), Labcorp); PubMed 22135120 (cited by Labcorp Genetics (formerly Invitae), Labcorp); PubMed 11768389 (cited by Ambry Genetics).

NM_000038.6(APC):c.7511G>A (p.Trp2504Ter)

Gene: APC (APC regulator of Wnt signaling pathway; plus strand). Cytogenetic location: 5q22.2.
Variant type: single nucleotide variant.
Coding change: c.7511G>A on transcript NM_000038.6 (MANE Select); coding-DNA position 7511, G replaced by A.
Protein change: p.Trp2504Ter; replaces tryptophan 2504 with a stop codon.
Molecular consequence: nonsense.
Genome position (GRCh38, 1-based): chr5:112,843,105, G>A. VCF-style: chr5-112843105-G-A. GRCh37 (hg19) VCF-style: chr5-112178802-G-A.
Other names: c.7511G>A, p.Trp2504Ter (NM_001127510.3, NM_001354895.2); c.7457G>A, p.Trp2486Ter (NM_001127511.3); c.7565G>A, p.Trp2522Ter (NM_001354896.2); c.7541G>A, p.Trp2514Ter (NM_001354897.2); c.7436G>A, p.Trp2479Ter (NM_001354898.2); c.7427G>A, p.Trp2476Ter (NM_001354899.2); c.7388G>A, p.Trp2463Ter (NM_001354900.2); c.7334G>A, p.Trp2445Ter (NM_001354901.2); and 5 more; short protein forms W2486*, W2504*, W2221*, W2403*, W2445*, W2522*, W2378*, W2479*.
Identifiers: ClinVar variation 218007 (VCV000218007.37), dbSNP rs755046558, ClinGen allele CA248496.